The following is an entry in ClinVar:

NM_003611.3(OFD1):c.2074T>A (p.Phe692Ile)

Gene: OFD1 (OFD1 centriole and centriolar satellite protein; plus strand). Cytogenetic location: Xp22.2.
Variant type: single nucleotide variant.
Coding change: c.2074T>A on transcript NM_003611.3 (MANE Select); coding-DNA position 2074, T replaced by A.
Protein change: p.Phe692Ile; replaces phenylalanine 692 with isoleucine.
Molecular consequence: missense variant.
Genome position (GRCh38, 1-based): chrX:13,760,534, T>A. VCF-style: chrX-13760534-T-A. GRCh37 (hg19) VCF-style: chrX-13778653-T-A.
Other names: c.1954T>A, p.Phe652Ile (NM_001330209.2); c.1654T>A, p.Phe552Ile (NM_001330210.2); short protein forms F692I, F652I, F552I.
Identifiers: ClinVar variation 588546 (VCV000588546.5), dbSNP rs1377670692, ClinGen allele CA412344459.
Genomic context (GRCh38, chrX:13,760,534, plus strand): 5'-TCTCTGCACTTGCTGGAAGCCTTCAAAAACATTACTTCCAGTTCCCCGGAAAGACATATT[T>A]TTGGAGAGGACAGAGTTGTCTCTGAGCAGCCTCAAGTGGGCACACTTGAAGAAAGGAATG-3'
Protein context (NP_003602.1, residues 682-702): ITSSSPERHI[Phe692Ile]GEDRVVSEQP

ClinVar aggregate classification (germline): Uncertain significance (1 of 4 stars; one submission).

Conditions:
Primary ciliary dyskinesia. Also called: Ciliary dyskinesia. Identifiers: Orphanet 244, MedGen C0008780, MONDO:0016575, HP:0012265.

Allele frequency attached by ClinVar (database versions not stated): TOPMed below 0.00001; gnomAD 0.00002.
gnomAD v4.1: 2 of 1,173,498 alleles (0.00017%); highest among the groups gnomAD compares: African/African-American, 0.0036%; no homozygotes.

Submission:

Ambry Genetics
Classification: Uncertain significance for Primary ciliary dyskinesia. Last evaluated: 2016-12-12. Review status: criteria provided, single submitter. Criteria: Ambry Variant Classification Scheme 2023. Collection method: clinical testing. Allele origin: germline.
Comment: The p.F692I variant (also known as c.2074T>A), located in coding exon 16 of the OFD1 gene, results from a T to A substitution at nucleotide position 2074. The phenylalanine at codon 692 is replaced by isoleucine, an amino acid with highly similar properties. This amino acid position is poorly conserved in available vertebrate species. In addition, this alteration is predicted to be tolerated by in silico analysis. Since supporting evidence is limited at this time, the clinical significance of this alteration remains unclear.